The following is an entry in ClinVar:

ClinVar aggregate classification (germline): Uncertain significance (1 of 4 stars; one submission).

gnomAD v4.1: 6 of 1,613,978 alleles (0.00037%); highest among the groups gnomAD compares: African/African-American, 0.0013%; no homozygotes.

Submission:

Labcorp Genetics (formerly Invitae), Labcorp
Classification: Uncertain significance. Last evaluated: 2025-03-27. Review status: criteria provided, single submitter. Criteria: Invitae Variant Classification Sherloc (09022015). Collection method: clinical testing. Allele origin: germline.
Comment: This sequence change replaces alanine, which is neutral and non-polar, with valine, which is neutral and non-polar, at codon 581 of the PCK2 protein (p.Ala581Val). This variant is present in population databases (rs754432218, gnomAD 0.007%). This variant has not been reported in the literature in individuals affected with PCK2-related conditions. Invitae Evidence Modeling of protein sequence and biophysical properties (such as structural, functional, and spatial information, amino acid conservation, physicochemical variation, residue mobility, and thermodynamic stability) indicates that this missense variant is not expected to disrupt PCK2 protein function with a negative predictive value of 80%. In summary, the available evidence is currently insufficient to determine the role of this variant in disease. Therefore, it has been classified as a Variant of Uncertain Significance.

NM_004563.4(PCK2):c.1742C>T (p.Ala581Val)

Genes: PCK2 (phosphoenolpyruvate carboxykinase 2, mitochondrial; plus strand), NRL (neural retina leucine zipper; minus strand). Cytogenetic location: 14q12.
Variant type: single nucleotide variant.
Coding change: c.1742C>T on transcript NM_004563.4 (MANE Select); coding-DNA position 1742, C replaced by T.
Protein change: p.Ala581Val; replaces alanine 581 with valine.
Molecular consequence: missense variant. On other transcripts: intron variant (3).
Genome position (GRCh38, 1-based): chr14:24,103,783, C>T. VCF-style: chr14-24103783-C-T. GRCh37 (hg19) VCF-style: chr14-24572992-C-T.
Other names: c.1340C>T, p.Ala447Val (NM_001291556.2, NM_001308054.2); c.-28+10939G>A (NM_001354768.3, NM_001354770.2); c.-254+10939G>A (NM_006177.5); short protein forms A447V, A581V.
Identifiers: ClinVar variation 4738758 (VCV004738758.1).
Genomic context (GRCh38, chr14:24,103,783, plus strand): 5'-GGTTAGAGGGGGAGGACAGTGCCCGAGAGACACCCATTGGGCTGGTGCCAAAGGAAGGAG[C>T]CTTGGATCTCAGCGGCCTCAGAGCTATAGACACCACTCAGCTGTTCTCCCTCCCCAAGGA-3'
Protein context (NP_004554.3, residues 571-591): TPIGLVPKEG[Ala581Val]LDLSGLRAID